The following is an entry in ClinVar:

ClinVar aggregate classification (germline): Uncertain significance. Review status: criteria provided, multiple submitters, no conflicts (2 of 4 stars). 4 submissions from 4 submitters: Uncertain significance (3). 1 of the submissions does not count toward it. Last evaluated 2024-09-25.

Conditions:
Cardiovascular phenotype. Identifiers: MedGen CN230736.
Alstrom syndrome (ALMS). Identifiers: Orphanet 64, MedGen C0268425, MONDO:0008763, OMIM 203800.

Allele frequency attached by ClinVar (database versions not stated): gnomAD exomes below 0.00001.
gnomAD v4.1: 1 of 1,613,962 alleles (0.000062%); highest among the groups gnomAD compares: Non-Finnish European, 0.000085%; no homozygotes.

Submissions (4):

Labcorp Genetics (formerly Invitae), Labcorp
Classification: Uncertain significance for Alstrom syndrome. Last evaluated: 2024-09-25. Review status: criteria provided, single submitter. Criteria: Invitae Variant Classification Sherloc (09022015). Collection method: clinical testing. Allele origin: germline.
Comment: This sequence change replaces glycine, which is neutral and non-polar, with aspartic acid, which is acidic and polar, at codon 1200 of the ALMS1 protein (p.Gly1200Asp). This variant is not present in population databases (gnomAD no frequency). This variant has not been reported in the literature in individuals affected with ALMS1-related conditions. ClinVar contains an entry for this variant (Variation ID: 860473). Experimental studies and prediction algorithms are not available or were not evaluated, and the functional significance of this variant is currently unknown. In summary, the available evidence is currently insufficient to determine the role of this variant in disease. Therefore, it has been classified as a Variant of Uncertain Significance.

GeneDx
Classification: Uncertain significance. Last evaluated: 2024-06-07. Review status: criteria provided, single submitter. Criteria: GeneDx Variant Classification Process June 2021. Collection method: clinical testing. Allele origin: germline. Affected: yes.
Comment: Not observed at significant frequency in large population cohorts (gnomAD); In silico analysis indicates that this missense variant does not alter protein structure/function; Has not been previously published as pathogenic or benign to our knowledge

Ambry Genetics
Classification: Uncertain significance for Cardiovascular phenotype. Last evaluated: 2020-11-10. Review status: criteria provided, single submitter. Criteria: Ambry Variant Classification Scheme 2023. Collection method: clinical testing. Allele origin: germline.
Comment: The p.G1200D variant (also known as c.3599G>A), located in coding exon 8 of the ALMS1 gene, results from a G to A substitution at nucleotide position 3599. The glycine at codon 1200 is replaced by aspartic acid, an amino acid with similar properties. This amino acid position is poorly conserved in available vertebrate species. In addition, this alteration is predicted to be tolerated by in silico analysis. Since supporting evidence is limited at this time, the clinical significance of this alteration remains unclear.

Natera, Inc.
Classification: Uncertain significance for Alstrom syndrome. Last evaluated: 2020-09-16. Review status: no assertion criteria provided. Collection method: clinical testing. Allele origin: germline. Not counted in ClinVar's aggregate classification.

NM_001378454.1(ALMS1):c.3596G>A (p.Gly1199Asp)

Gene: ALMS1 (ALMS1 centrosome and basal body associated protein; plus strand). Cytogenetic location: 2p13.1.
Variant type: single nucleotide variant.
Coding change: c.3596G>A on transcript NM_001378454.1 (MANE Select); coding-DNA position 3596, G replaced by A.
Protein change: p.Gly1199Asp; replaces glycine 1199 with aspartic acid.
Molecular consequence: missense variant.
Genome position (GRCh38, 1-based): chr2:73,450,123, G>A. VCF-style: chr2-73450123-G-A. GRCh37 (hg19) VCF-style: chr2-73677250-G-A.
Other names: c.3599G>A, p.Gly1200Asp (NM_015120.4); short protein forms G1200D, G1199D.
Identifiers: ClinVar variation 860473 (VCV000860473.9), dbSNP rs1572934110, ClinGen allele CA347275994.